The following is an entry in ClinVar:

ClinVar aggregate classification (germline): Uncertain significance (1 of 4 stars; one submission).

Conditions:
Inborn genetic diseases. Identifiers: MedGen C0950123, MeSH D030342.

Submission:

Ambry Genetics
Classification: Uncertain significance for Inborn genetic diseases. Last evaluated: 2021-07-31. Review status: criteria provided, single submitter. Criteria: Ambry Variant Classification Scheme 2023. Collection method: clinical testing. Allele origin: germline.
Comment: The p.I569M variant (also known as c.1707T>G), located in coding exon 18 of the ERCC2 gene, results from a T to G substitution at nucleotide position 1707. The isoleucine at codon 569 is replaced by methionine, an amino acid with highly similar properties. This amino acid position is conserved. In addition, the in silico prediction for this alteration is inconclusive. Since supporting evidence is limited at this time, the clinical significance of this alteration remains unclear.

NM_000400.4(ERCC2):c.1707T>G (p.Ile569Met)

Gene: ERCC2 (ERCC excision repair 2, TFIIH core complex helicase subunit; minus strand). Cytogenetic location: 19q13.32.
Variant type: single nucleotide variant.
Coding change: c.1707T>G on transcript NM_000400.4 (MANE Select); coding-DNA position 1707, T replaced by G.
Protein change: p.Ile569Met; replaces isoleucine 569 with methionine.
Molecular consequence: missense variant.
Genome position (GRCh38, 1-based): chr19:45,353,293, A>C on the plus strand (T>G on the coding strand, the complement: ERCC2 is on the minus strand). VCF-style: chr19-45353293-A-C. GRCh37 (hg19) VCF-style: chr19-45856551-A-C.
Other names: short protein forms I569M.
Identifiers: ClinVar variation 1778490 (VCV001778490.2), dbSNP rs1459683365, ClinGen allele CA406364456.